The following is an entry in ClinVar:

ClinVar aggregate classification (germline): Uncertain significance. Review status: criteria provided, multiple submitters, no conflicts (2 of 4 stars). 3 submissions from 3 submitters: Uncertain significance (2). 1 of the submissions does not count toward it. Last evaluated 2021-09-17.

Conditions:
Joubert syndrome 7 (JBTS7). Identifiers: Orphanet 220497, MedGen C1969053, MONDO:0012694, OMIM 611560.
COACH syndrome 3. Identifiers: MedGen C5436841, MONDO:0030862, OMIM 619113.
Meckel syndrome, type 5 (MKS5). Identifiers: Orphanet 564, MedGen C1969052, MONDO:0012695, OMIM 611561.
RPGRIP1L-related disorder. Also called: RPGRIP1L-related condition; RPGRIP1L-related disorders. Identifiers: MedGen CN239416.
Joubert syndrome. Also called: JOUBERT-BOLTSHAUSER SYNDROME; Familial aplasia of the vermis. Identifiers: Orphanet 475, MedGen C5979921, MONDO:0018772.
Meckel-Gruber syndrome. Also called: GRUBER SYNDROME; DYSENCEPHALIA SPLANCHNOCYSTICA; Dysencephalia splachnocystica. Identifiers: Orphanet 564, MedGen C0265215, MONDO:0018921.

Allele frequency attached by ClinVar (database versions not stated): gnomAD exomes below 0.00001 and 0.00001; ExAC 0.00002.
gnomAD v4.1: 2 of 1,614,022 alleles (0.00012%); highest among the groups gnomAD compares: Non-Finnish European, 0.00017%; no homozygotes.

Submissions (3):

Labcorp Genetics (formerly Invitae), Labcorp
Classification: Uncertain significance for Joubert syndrome; Meckel-Gruber syndrome. Last evaluated: 2021-09-17. Review status: criteria provided, single submitter. Criteria: Invitae Variant Classification Sherloc (09022015). Collection method: clinical testing. Allele origin: germline.
Comment: This sequence change replaces serine with cysteine at codon 860 of the RPGRIP1L protein (p.Ser860Cys). The serine residue is moderately conserved and there is a moderate physicochemical difference between serine and cysteine. This variant is present in population databases (rs768030202, ExAC 0.003%). This variant has not been reported in the literature in individuals with RPGRIP1L-related conditions. Algorithms developed to predict the effect of missense changes on protein structure and function are either unavailable or do not agree on the potential impact of this missense change (SIFT: "Deleterious"; PolyPhen-2: "Benign"; Align-GVGD: "Class C15"). In summary, the available evidence is currently insufficient to determine the role of this variant in disease. Therefore, it has been classified as a Variant of Uncertain Significance.

Fulgent Genetics
Classification: Uncertain significance for Joubert syndrome 7; Meckel syndrome, type 5; COACH syndrome 3. Last evaluated: 2021-07-08. Review status: criteria provided, single submitter. Criteria: ACMG Guidelines, 2015. Collection method: clinical testing. Allele origin: unknown.

PreventionGenetics, part of Exact Sciences
Classification: Uncertain significance for RPGRIP1L-related condition. Last evaluated: 2024-07-25. Review status: no assertion criteria provided. Collection method: clinical testing. Allele origin: germline. Not counted in ClinVar's aggregate classification.
Comment: The RPGRIP1L c.2579C>G variant is predicted to result in the amino acid substitution p.Ser860Cys. To our knowledge, this variant has not been reported in the literature. This variant is reported in 0.0026% of alleles in individuals of European (Non-Finnish) descent in gnomAD. At this time, the clinical significance of this variant is uncertain due to the absence of conclusive functional and genetic evidence.

NM_015272.5(RPGRIP1L):c.2579C>G (p.Ser860Cys)

Gene: RPGRIP1L (RPGRIP1 like; minus strand). Cytogenetic location: 16q12.2.
Variant type: single nucleotide variant.
Coding change: c.2579C>G on transcript NM_015272.5 (MANE Select); coding-DNA position 2579, C replaced by G.
Protein change: p.Ser860Cys; replaces serine 860 with cysteine.
Molecular consequence: missense variant.
Genome position (GRCh38, 1-based): chr16:53,645,729, G>C on the plus strand (C>G on the coding strand, the complement: RPGRIP1L is on the minus strand). VCF-style: chr16-53645729-G-C. GRCh37 (hg19) VCF-style: chr16-53679641-G-C.
Other names: c.2579C>G, p.Ser860Cys (NM_001127897.4, NM_001308334.3, NM_001330538.2); c.2579C>G (NM_015272.4); short protein forms S860C.
Identifiers: ClinVar variation 1395109 (VCV001395109.7), dbSNP rs768030202, ClinGen allele CA8057525.